The following is an entry in ClinVar:

NM_000038.6(APC):c.6634C>G (p.Gln2212Glu)

Gene: APC (APC regulator of Wnt signaling pathway; plus strand). Cytogenetic location: 5q22.2.
Variant type: single nucleotide variant.
Coding change: c.6634C>G on transcript NM_000038.6 (MANE Select); coding-DNA position 6634, C replaced by G.
Protein change: p.Gln2212Glu; replaces glutamine 2212 with glutamic acid.
Molecular consequence: missense variant. On other transcripts: non-coding transcript variant (2).
Genome position (GRCh38, 1-based): chr5:112,842,228, C>G. VCF-style: chr5-112842228-C-G. GRCh37 (hg19) VCF-style: chr5-112177925-C-G.
Other names: c.6634C>G, p.Gln2212Glu (NM_001127510.3, NM_001354895.2, NM_001407450.1); c.6580C>G, p.Gln2194Glu (NM_001127511.3); c.6688C>G, p.Gln2230Glu (NM_001354896.2, NM_001407447.1, NM_001407448.1 and 1 more transcripts); c.6664C>G, p.Gln2222Glu (NM_001354897.2); c.6559C>G, p.Gln2187Glu (NM_001354898.2); c.6550C>G, p.Gln2184Glu (NM_001354899.2); c.6511C>G, p.Gln2171Glu (NM_001354900.2); c.6457C>G, p.Gln2153Glu (NM_001354901.2, NM_001407453.1); and 11 more; short protein forms Q1828E, Q1929E, Q2052E, Q2083E, Q2086E, Q2111E, Q2121E, Q2129E.
Identifiers: ClinVar variation 3230944 (VCV003230944.2), dbSNP rs200682225, ClinGen allele CA16035840.
Genomic context (GRCh38, chr5:112,842,228, plus strand): 5'-AAAAAAGTTTATAAAAGTTTGATTACTGGAAAAGTTCGATCTAATTCAGAAATTTCAGGC[C>G]AAATGAAACAGCCCCTTCAAGCAAACATGCCTTCAATCTCTCGAGGCAGGACAATGATTC-3'
Protein context (NP_000029.2, residues 2202-2222): KVRSNSEISG[Gln2212Glu]MKQPLQANMP

ClinVar aggregate classification (germline): Uncertain significance. Review status: criteria provided, multiple submitters, no conflicts (2 of 4 stars). 2 submissions from 2 submitters: Uncertain significance (2). Last evaluated 2025-05-02.

Conditions:
Hereditary cancer-predisposing syndrome. Also called: Neoplastic Syndromes, Hereditary; Tumor predisposition; Hereditary neoplastic syndrome; Hereditary Cancer Syndrome. Identifiers: Orphanet 140162, MedGen C0027672, MeSH D009386, MONDO:0015356.

Allele frequency attached by ClinVar (database versions not stated): gnomAD exomes below 0.00001.
gnomAD v4.1: 2 of 1,613,764 alleles (0.00012%); highest among the groups gnomAD compares: Non-Finnish European, 0.00017%; no homozygotes.

Submissions (2):

Quest Diagnostics Nichols Institute San Juan Capistrano
Classification: Uncertain significance. Last evaluated: 2025-05-02. Review status: criteria provided, single submitter. Criteria: Quest Diagnostics criteria. Collection method: clinical testing. Allele origin: unknown.
Comment: The APC c.6634C>G (p.Gln2212Glu) variant has not been reported in individuals with APC-related conditions in the published literature. It also has not been reported in large, multi-ethnic general populations (Genome Aggregation Database). Analysis of this variant using bioinformatics tools for the prediction of the effect of amino acid changes on protein structure and function yielded predictions that this variant is benign. Based on the available information, we are unable to determine the clinical significance of this variant.

Ambry Genetics
Classification: Uncertain significance for Hereditary cancer-predisposing syndrome. Last evaluated: 2023-09-27. Review status: criteria provided, single submitter. Criteria: Ambry Variant Classification Scheme 2023. Collection method: clinical testing. Allele origin: germline.
Comment: The p.Q2212E variant (also known as c.6634C>G), located in coding exon 15 of the APC gene, results from a C to G substitution at nucleotide position 6634. The glutamine at codon 2212 is replaced by glutamic acid, an amino acid with highly similar properties. This amino acid position is conserved. In addition, in silico predictors for this gene do not accurately predict pathogenicity. Since supporting evidence is limited at this time, the clinical significance of this alteration remains unclear.